The following is an entry in ClinVar:

ClinVar aggregate classification (germline): Uncertain significance (1 of 4 stars; one submission).

Conditions:
Imerslund-Grasbeck syndrome. Also called: Megaloblastic anemia due to inborn errors of metabolism; ENTEROCYTE COBALAMIN MALABSORPTION; ENTEROCYTE INTRINSIC FACTOR RECEPTOR, DEFECT OF; PERNICIOUS ANEMIA, JUVENILE, DUE TO SELECTIVE INTESTINAL MALABSORPTION OF VITAMIN B12, WITH PROTEINURIA; Imerslund-Gräsbeck syndrome. Identifiers: Orphanet 35858, MedGen C4551825, MONDO:0009853.

gnomAD v4.1: 25 of 1,477,874 alleles (0.0017%); highest among the groups gnomAD compares: East Asian, 0.063%; no homozygotes.

Submission:

Labcorp Genetics (formerly Invitae), Labcorp
Classification: Uncertain significance for Imerslund-Grasbeck syndrome. Last evaluated: 2022-11-03. Review status: criteria provided, single submitter. Criteria: Invitae Variant Classification Sherloc (09022015). Collection method: clinical testing. Allele origin: germline.
Comment: In summary, the available evidence is currently insufficient to determine the role of this variant in disease. Therefore, it has been classified as a Variant of Uncertain Significance. Advanced modeling of protein sequence and biophysical properties (such as structural, functional, and spatial information, amino acid conservation, physicochemical variation, residue mobility, and thermodynamic stability) performed at Invitae indicates that this missense variant is not expected to disrupt AMN protein function. ClinVar contains an entry for this variant (Variation ID: 942283). This variant has not been reported in the literature in individuals affected with AMN-related conditions. This variant is not present in population databases (gnomAD no frequency). This sequence change replaces methionine, which is neutral and non-polar, with leucine, which is neutral and non-polar, at codon 346 of the AMN protein (p.Met346Leu).

NM_030943.4(AMN):c.1036A>T (p.Met346Leu)

Genes: AMN (amnion associated transmembrane protein; plus strand), LOC130056554 (ATAC-STARR-seq lymphoblastoid silent region 6136; plus strand). Cytogenetic location: 14q32.32.
Variant type: single nucleotide variant.
Coding change: c.1036A>T on transcript NM_030943.4 (MANE Select); coding-DNA position 1036, A replaced by T.
Protein change: p.Met346Leu; replaces methionine 346 with leucine.
Molecular consequence: missense variant.
Genome position (GRCh38, 1-based): chr14:102,930,194, A>T. VCF-style: chr14-102930194-A-T. GRCh37 (hg19) VCF-style: chr14-103396531-A-T.
Other names: short protein forms M346L.
Identifiers: ClinVar variation 942283 (VCV000942283.10), dbSNP rs1215795347, ClinGen allele CA391083304.